The following is an entry in ClinVar:

NM_058004.4(PI4KA):c.3918dup (p.Glu1307Ter)

Gene: PI4KA (phosphatidylinositol 4-kinase alpha; minus strand). Cytogenetic location: 22q11.21.
Variant type: Duplication.
Coding change: c.3918dup on transcript NM_058004.4 (MANE Select); coding-DNA position 3918, one base duplicated (T; older notation c.3918dupT).
Protein change: p.Glu1307Ter; replaces glutamic acid 1307 with a stop codon.
Molecular consequence: nonsense.
Genome position (GRCh38, 1-based): chr22:20,734,177, A duplicated on the plus strand (T on the coding strand, the reverse complement: PI4KA is on the minus strand); the first of 3 consecutive A bases (chr22:20,734,177-20,734,179); duplicating any one gives the same sequence. VCF-style (leftmost placement, unchanged base first): chr22-20734176-C-CA. GRCh37 (hg19) VCF-style: chr22-21088464-C-CA.
Other names: c.3825dup, p.Glu1276Ter (NM_001362862.2); c.3852dup, p.Glu1285Ter (NM_001362863.2); short protein forms E1276*, E1285*, E1307*.
Identifiers: ClinVar variation 2633053 (VCV002633053.1), dbSNP rs2518048241, ClinGen allele CA2695200062.

ClinVar aggregate classification (germline): Likely pathogenic (1 of 4 stars; one submission).

Conditions:
PI4KA-related disorder. Also called: PI4KA-related condition; PI4KA-related disorders. Identifiers: MedGen CN378147, MONDO:1040012.

Submission:

PreventionGenetics, part of Exact Sciences
Classification: Likely pathogenic for PI4KA-related condition. Last evaluated: 2023-05-02. Review status: criteria provided, single submitter. Criteria: ACMG Guidelines, 2015. Collection method: clinical testing. Allele origin: germline.
Comment: The PI4KA c.3918dupT variant is predicted to result in premature protein termination (p.Glu1307*). To our knowledge, this variant has not been reported in the literature or in a large population database, indicating this variant is rare. Nonsense variants in PI4KA are expected to be pathogenic. This variant is interpreted as likely pathogenic.